The following is an entry in ClinVar:

NM_022455.5(NSD1):c.4604G>A (p.Arg1535His)

Gene: NSD1 (nuclear receptor binding SET domain protein 1; plus strand). Cytogenetic location: 5q35.3.
Variant type: single nucleotide variant.
Coding change: c.4604G>A on transcript NM_022455.5 (MANE Select); coding-DNA position 4604, G replaced by A.
Protein change: p.Arg1535His; replaces arginine 1535 with histidine.
Molecular consequence: missense variant.
Genome position (GRCh38, 1-based): chr5:177,248,287, G>A. VCF-style: chr5-177248287-G-A. GRCh37 (hg19) VCF-style: chr5-176675288-G-A.
Other names: c.3731G>A, p.Arg1244His (NM_001365684.2, NM_001409306.1, NM_001409307.1 and 3 more transcripts); c.4604G>A, p.Arg1535His (NM_001409301.1, NM_001409302.1, NM_001409303.1); c.4184G>A, p.Arg1395His (NM_001409304.1); c.3851G>A, p.Arg1284His (NM_001409305.1); short protein forms R1244H, R1266H, R1284H, R1535H, R1395H.
Identifiers: ClinVar variation 2059260 (VCV002059260.4), dbSNP rs2149899764, ClinGen allele CA362349845.

ClinVar aggregate classification (germline): Uncertain significance (1 of 4 stars; one submission).

Allele frequency attached by ClinVar (database versions not stated): gnomAD exomes below 0.00001.
gnomAD v4.1: 1 of 1,614,030 alleles (0.000062%); highest among the groups gnomAD compares: Non-Finnish European, 0.000085%; no homozygotes.

Submission:

Labcorp Genetics (formerly Invitae), Labcorp
Classification: Uncertain significance. Last evaluated: 2022-03-18. Review status: criteria provided, single submitter. Criteria: Invitae Variant Classification Sherloc (09022015). Collection method: clinical testing. Allele origin: germline.
Comment: Advanced modeling of protein sequence and biophysical properties (such as structural, functional, and spatial information, amino acid conservation, physicochemical variation, residue mobility, and thermodynamic stability) performed at Invitae indicates that this missense variant is expected to disrupt NSD1 protein function. In summary, the available evidence is currently insufficient to determine the role of this variant in disease. Therefore, it has been classified as a Variant of Uncertain Significance. This missense change has been observed in individual(s) with pulmonary arterial hypertension-congenital heart disease (PMID: 30029678). This sequence change replaces arginine, which is basic and polar, with histidine, which is basic and polar, at codon 1535 of the NSD1 protein (p.Arg1535His). This variant is not present in population databases (gnomAD no frequency).

Literature cited by the submitters: PubMed 30029678.